The following is an entry in ClinVar:

NM_145331.3(MAP3K7):c.521G>A (p.Cys174Tyr)

Gene: MAP3K7 (mitogen-activated protein kinase kinase kinase 7; minus strand). Cytogenetic location: 6q15.
Variant type: single nucleotide variant.
Coding change: c.521G>A on transcript NM_145331.3 (MANE Select); coding-DNA position 521, G replaced by A.
Protein change: p.Cys174Tyr; replaces cysteine 174 with tyrosine.
Molecular consequence: missense variant.
Genome position (GRCh38, 1-based): chr6:90,556,586, C>T on the plus strand (G>A on the coding strand, the complement: MAP3K7 is on the minus strand). VCF-style: chr6-90556586-C-T. GRCh37 (hg19) VCF-style: chr6-91266305-C-T.
Other names: c.521G>A, p.Cys174Tyr (NM_145332.3, NM_145333.3, NM_003188.4); short protein forms C174Y.
Identifiers: ClinVar variation 372406 (VCV000372406.1), dbSNP rs1057517758, ClinGen allele CA16042655.

ClinVar aggregate classification (germline): Likely pathogenic (1 of 4 stars; one submission).

Submission:

GeneDx
Classification: Likely pathogenic. Last evaluated: 2016-10-03. Review status: criteria provided, single submitter. Criteria: GeneDx Variant Classification (06012015). Collection method: clinical testing. Allele origin: germline. Affected: yes.
Comment: The C174Y variant was not observed in approximately 6500 individuals of European and African American ancestry in the NHLBI Exome Sequencing Project, indicating it is not a common benign variant in these populations. The C174Y variant is a non-conservative amino acid substitution, which is likely to impact secondary protein structure as these residues differ in polarity, charge, size and/or other properties. This substitution occurs within the protein kinase domain, in the region that interacts with MAPK8IP1, at a position that is conserved across species. In silico analysis predicts this variant is probably damaging to the protein structure/function. Considering the recent updates in the literature resulting in the classification of MAP3K7 as a disease causing gene and review of the data in context of the 2015 ACMG standards and guidelines for the interpretation of sequence variants (Richards et al., 2015), we now interpret C174Y as a likely pathogenic variant